The following is an entry in ClinVar:

NM_001005242.3(PKP2):c.467C>T (p.Pro156Leu)

Gene: PKP2 (plakophilin 2; minus strand). Cytogenetic location: 12p11.21.
Variant type: single nucleotide variant.
Coding change: c.467C>T on transcript NM_001005242.3 (MANE Select); coding-DNA position 467, C replaced by T.
Protein change: p.Pro156Leu; replaces proline 156 with leucine.
Molecular consequence: missense variant.
Genome position (GRCh38, 1-based): chr12:32,878,413, G>A on the plus strand (C>T on the coding strand, the complement: PKP2 is on the minus strand). VCF-style: chr12-32878413-G-A. GRCh37 (hg19) VCF-style: chr12-33031347-G-A.
Other names: c.467C>T, p.Pro156Leu (NM_004572.4); short protein forms P156L.
Identifiers: ClinVar variation 264387 (VCV000264387.23), dbSNP rs766360871, ClinGen allele CA037473.

ClinVar aggregate classification (germline): Uncertain significance. Review status: criteria provided, multiple submitters, no conflicts (2 of 4 stars). 7 submissions from 7 submitters: Uncertain significance (7). Last evaluated 2026-02-03.

Conditions:
Cardiovascular phenotype. Identifiers: MedGen CN230736.
Cardiomyopathy (CMYO). Also called: Cardiomyopathies. Identifiers: Orphanet 167848, MedGen C0878544, MONDO:0004994, HP:0001638. Inheritance: Various modes of inheritance.
Arrhythmogenic right ventricular cardiomyopathy (ARVD). Also called: Arrhythmogenic right ventricular dysplasia; Arrhythmogenic cardiomyopathy; Arrhythmogenic Right Ventricular Cardiomyopathy (ARVC); Cardiomyopathy, ARVC. Identifiers: Orphanet 247, MedGen C0349788, MeSH D019571, MONDO:0016587. Disease mechanism: loss of function. Inheritance: Various modes of inheritance.
Arrhythmogenic right ventricular dysplasia 9 (ARVD9). Also called: ARRHYTHMOGENIC RIGHT VENTRICULAR DYSPLASIA, FAMILIAL, 9; Arrhythmogenic Right Ventricular Dysplasia/Cardiomyopathy 9. Identifiers: MedGen C1836906, MONDO:0012180, OMIM 609040.

Allele frequency attached by ClinVar (database versions not stated): ExAC 0.00001; gnomAD exomes 0.00001; TOPMed 0.00001.
gnomAD v4.1: 12 of 1,613,898 alleles (0.00074%); highest among the groups gnomAD compares: East Asian, 0.0067%; no homozygotes.

Submissions (7):

Labcorp Genetics (formerly Invitae), Labcorp
Classification: Uncertain significance for Arrhythmogenic right ventricular dysplasia 9. Last evaluated: 2026-02-03. Review status: criteria provided, single submitter. Criteria: Invitae Variant Classification Sherloc (09022015). Collection method: clinical testing. Allele origin: germline.
Comment: This sequence change replaces proline, which is neutral and non-polar, with leucine, which is neutral and non-polar, at codon 156 of the PKP2 protein (p.Pro156Leu). This variant is present in population databases (rs766360871, gnomAD 0.006%). This missense change has been observed in individual(s) with dilated cardiomyopathy (PMID: 30847666). ClinVar contains an entry for this variant (Variation ID: 264387). An algorithm developed to predict the effect of missense changes on protein structure and function (PolyPhen-2) suggests that this variant is likely to be disruptive. In summary, the available evidence is currently insufficient to determine the role of this variant in disease. Therefore, it has been classified as a Variant of Uncertain Significance.

Ambry Genetics
Classification: Uncertain significance for Cardiovascular phenotype. Last evaluated: 2025-12-21. Review status: criteria provided, single submitter. Criteria: Ambry Variant Classification Scheme 2023. Collection method: clinical testing. Allele origin: germline.
Comment: The p.P156L variant (also known as c.467C>T), located in coding exon 3 of the PKP2 gene, results from a C to T substitution at nucleotide position 467. The proline at codon 156 is replaced by leucine, an amino acid with similar properties. This variant was detected in a cardiomyopathy/arrhythmia genetic testing cohort; however, clinical details were limited (van Lint FHM et al. Neth Heart J, 2019 Jun;27:304-309). This amino acid position is highly conserved in available vertebrate species. In addition, the in silico prediction for this alteration is inconclusive. Since supporting evidence is limited at this time, the clinical significance of this alteration remains unclear.

All of Us Research Program, National Institutes of Health
Classification: Uncertain significance for Arrhythmogenic right ventricular cardiomyopathy. Last evaluated: 2024-09-23. Review status: criteria provided, single submitter. Criteria: ACMG Guidelines, 2015. Collection method: clinical testing. Allele origin: germline. Inheritance: Autosomal dominant inheritance. Observed: 3 variant alleles, 3 heterozygotes.
Comment: This missense variant replaces proline with leucine at codon 156 of the PKP2 protein. Computational prediction suggests that this variant may not impact protein structure and function (internally defined REVEL score threshold <= 0.5, PMID: 27666373). To our knowledge, functional studies have not been reported for this variant. This variant has not been reported in individuals affected with cardiovascular disorders in the literature. This variant has been identified in 2/251428 chromosomes in the general population by the Genome Aggregation Database (gnomAD). The available evidence is insufficient to determine the role of this variant in disease conclusively. Therefore, this variant is classified as a Variant of Uncertain Significance.

This study involves interpretation of variants in research participants for the purpose of population health screening. Participant phenotype was not available at the time of variant classification. Additional details can be found in publication PMID: 35346344, PMCID: PMC8962531

Color Diagnostics, LLC DBA Color Health
Classification: Uncertain significance for Cardiomyopathy. Last evaluated: 2024-04-03. Review status: criteria provided, single submitter. Criteria: ACMG Guidelines, 2015. Collection method: clinical testing. Allele origin: germline.
Comment: This missense variant replaces proline with leucine at codon 156 of the PKP2 protein. Computational prediction suggests that this variant may not impact protein structure and function (internally defined REVEL score threshold <= 0.5, PMID: 27666373). To our knowledge, functional studies have not been reported for this variant. This variant has been reported in an individual affected with dilated cardiomyopathy (PMID: 30847666). This variant has been identified in 2/251428 chromosomes in the general population by the Genome Aggregation Database (gnomAD). The available evidence is insufficient to determine the role of this variant in disease conclusively. Therefore, this variant is classified as a Variant of Uncertain Significance.

GeneDx
Classification: Uncertain significance. Last evaluated: 2023-02-14. Review status: criteria provided, single submitter. Criteria: GeneDx Variant Classification Process June 2021. Collection method: clinical testing. Allele origin: germline. Affected: yes.
Comment: Not observed at significant frequency in large population cohorts (gnomAD); In silico analysis supports that this missense variant does not alter protein structure/function; Has not been previously published as pathogenic or benign to our knowledge

Blueprint Genetics
Classification: Uncertain significance. Last evaluated: 2022-07-26. Review status: criteria provided, single submitter. Criteria: ACMG Guidelines, 2015. Collection method: clinical testing. Allele origin: germline.

CHEO Genetics Diagnostic Laboratory, Children's Hospital of Eastern Ontario
Classification: Uncertain significance for Cardiomyopathy. Last evaluated: 2022-04-26. Review status: criteria provided, single submitter. Criteria: ACMG Guidelines, 2015. Collection method: clinical testing. Allele origin: germline.

Literature cited by the submitters: PubMed 30847666 (cited by 3 submitters).